The following is an entry in ClinVar:

NM_014208.3(DSPP):c.821G>A (p.Ser274Asn)

Genes: DMP1-AS1 (DMP1 and DSPP antisense RNA 1; minus strand), DSPP (dentin sialophosphoprotein; plus strand). Cytogenetic location: 4q22.1.
Variant type: single nucleotide variant.
Coding change: c.821G>A on transcript NM_014208.3 (MANE Select); coding-DNA position 821, G replaced by A.
Protein change: p.Ser274Asn; replaces serine 274 with asparagine.
Molecular consequence: missense variant.
Genome position (GRCh38, 1-based): chr4:87,613,007, G>A. VCF-style: chr4-87613007-G-A. GRCh37 (hg19) VCF-style: chr4-88534159-G-A.
Other names: short protein forms S274N.
Identifiers: ClinVar variation 4540144 (VCV004540144.2).

ClinVar aggregate classification (germline): Conflicting classifications of pathogenicity. Review status: criteria provided, conflicting classifications (1 of 4 stars). 2 submissions from 2 submitters: Uncertain significance (1); Likely benign (1). Last evaluated 2025-10-02.

Conditions:
Inborn genetic diseases. Identifiers: MedGen C0950123, MeSH D030342.

gnomAD v4.1: 18 of 1,614,176 alleles (0.0011%); highest among the groups gnomAD compares: Admixed American, 0.0017%; no homozygotes.

Submissions (2):

Ambry Genetics
Classification: Likely benign for Inborn genetic diseases. Last evaluated: 2025-10-02. Review status: criteria provided, single submitter. Criteria: Ambry Variant Classification Scheme 2023. Collection method: clinical testing. Allele origin: germline.

GeneDx
Classification: Uncertain significance. Last evaluated: 2025-06-27. Review status: criteria provided, single submitter. Criteria: GeneDx Variant Classification Process June 2021. Collection method: clinical testing. Allele origin: germline. Affected: yes.
Comment: Not observed at significant frequency in large population cohorts (gnomAD); In silico analysis suggests that this missense variant does not alter protein structure/function; Has not been previously published as pathogenic or benign to our knowledge